The following is an entry in ClinVar:

ClinVar aggregate classification (germline): Uncertain significance (1 of 4 stars; one submission).

Submission:

Dasa
Classification: Uncertain significance. Last evaluated: 2025-10-16. Review status: criteria provided, single submitter. Criteria: DASA Assertion Criteria. Collection method: clinical testing. Allele origin: germline.
Comment: NM_000287.4(PEX6):c.773G>A (p.Gly258Asp) is a missense variant that results in the substitution of glycine with aspartic acid. This variant is absent from population databases. Computational prediction algorithms are consistent with a benign effect. The currently available literature and clinical evidence are not sufficient to establish a definitive association between this variant and the reported condition. Therefore, this variant is classified as a variant of uncertain significance.

NM_000287.4(PEX6):c.773G>A (p.Gly258Asp)

Gene: PEX6 (peroxisomal biogenesis factor 6; minus strand). Cytogenetic location: 6p21.1.
Variant type: single nucleotide variant.
Coding change: c.773G>A on transcript NM_000287.4 (MANE Select); coding-DNA position 773, G replaced by A.
Protein change: p.Gly258Asp; replaces glycine 258 with aspartic acid.
Molecular consequence: missense variant. On other transcripts: non-coding transcript variant (1), intron variant (1).
Genome position (GRCh38, 1-based): chr6:42,978,378, C>T on the plus strand (G>A on the coding strand, the complement: PEX6 is on the minus strand). VCF-style: chr6-42978378-C-T. GRCh37 (hg19) VCF-style: chr6-42946116-C-T.
Other names: c.618+155G>A (NM_001316313.2); short protein forms G258D.
Identifiers: ClinVar variation 4884963 (VCV004884963.2).